The following is an entry in ClinVar:

ClinVar aggregate classification (germline): Uncertain significance (1 of 4 stars; one submission).

gnomAD v4.1: 2 of 1,613,584 alleles (0.00012%); highest among the groups gnomAD compares: Non-Finnish European, 0.00017%; no homozygotes.

Submission:

GeneDx
Classification: Uncertain significance. Last evaluated: 2026-09-09. Review status: criteria provided, single submitter. Criteria: GeneDx Variant Classification Process June 2021. Collection method: clinical testing. Allele origin: germline.
Comment: Has not been previously published as pathogenic or benign to our knowledge; Not observed at significant frequency in large population cohorts (gnomAD); In silico analysis supports that this missense variant has a deleterious effect on protein structure/function

NM_181507.2(HPS5):c.1871T>C (p.Leu624Pro)

Gene: HPS5 (HPS5 biogenesis of lysosomal organelles complex 2 subunit 2; minus strand). Cytogenetic location: 11p15.1.
Variant type: single nucleotide variant.
Coding change: c.1871T>C on transcript NM_181507.2 (MANE Select); coding-DNA position 1871, T replaced by C.
Protein change: p.Leu624Pro; replaces leucine 624 with proline.
Molecular consequence: missense variant.
Genome position (GRCh38, 1-based): chr11:18,292,011, A>G on the plus strand (T>C on the coding strand, the complement: HPS5 is on the minus strand). VCF-style: chr11-18292011-A-G. GRCh37 (hg19) VCF-style: chr11-18313558-A-G.
Other names: c.1529T>C, p.Leu510Pro (NM_007216.4, NM_181508.2); short protein forms L510P, L624P.
Identifiers: ClinVar variation 1190372 (VCV001190372.3), dbSNP rs281865102, ClinGen allele CA379491639.